The following is an entry in ClinVar:

NM_000052.7(ATP7A):c.4223A>T (p.Lys1408Ile)

Gene: ATP7A (ATPase copper transporting alpha; plus strand). Cytogenetic location: Xq21.1.
Variant type: single nucleotide variant.
Coding change: c.4223A>T on transcript NM_000052.7 (MANE Select); coding-DNA position 4223, A replaced by T.
Protein change: p.Lys1408Ile; replaces lysine 1408 with isoleucine.
Molecular consequence: missense variant. On other transcripts: non-coding transcript variant (1).
Genome position (GRCh38, 1-based): chrX:78,045,569, A>T. VCF-style: chrX-78045569-A-T. GRCh37 (hg19) VCF-style: chrX-77301066-A-T.
Other names: p.Lys1408Ile; c.3989A>T, p.Lys1330Ile (NM_001282224.2); short protein forms K1330I, K1408I.
Identifiers: ClinVar variation 3236394 (VCV003236394.2), dbSNP rs936157944, ClinGen allele CA413605940.
Genomic context (GRCh38, chrX:78,045,569, plus strand): 5'-TGGGATCTGCAGCAATGGCTGCTTCATCTGTTTCTGTAGTACTTTCTTCTCTCTTCCTTA[A>T]ACTGTAAGTATGATAGCTTGCTCACATTTGTATTTTGTATTCCTGTTATCATCTAGTCAT-3'
Protein context (NP_000043.4, residues 1398-1418): VSVVLSSLFL[Lys1408Ile]LYRKPTYESY

ClinVar aggregate classification (germline): Uncertain significance (1 of 4 stars; one submission).

Conditions:
Menkes kinky-hair syndrome (MNK). Also called: Classic Menkes Disease; Copper transport disease; Menkes Disease. Identifiers: Orphanet 565, MedGen C0022716, MONDO:0010651, OMIM 309400.

Submission:

Foundation for Research in Genetics and Endocrinology, FRIGE's Institute of Human Genetics
Classification: Uncertain significance for Menkes kinky-hair syndrome. Last evaluated: 2024-05-16. Review status: criteria provided, single submitter. Criteria: ACMG Guidelines, 2015. Collection method: clinical testing. Allele origin: germline. Inheritance: X-linked recessive inheritance. Affected: yes. Observed: 1 hemizygote.
Comment: A homozygous missense variant in exon 22 of the ATP7A gene that results in the amino acid substitution of Isoleucine for Lysine at codon 1408 (p.Lys1408Ile) was detected. This variant has not been reported in the 1000 genomes, gnomAD (v3.1), gnomdAD (v2.1) and topmed databases. The in silico prediction of the variant are probably damaging by PolyPhen-2 (HumDiv) and damaging by SIFT and LRT. The reference codon is conserved across species. In summary, the variant meets our criteria to be classified as variant of uncertain significance.